The following is an entry in ClinVar:

NM_173598.6(KSR2):c.2248G>A (p.Val750Ile)

Gene: KSR2 (kinase suppressor of ras 2; minus strand). Cytogenetic location: 12q24.22.
Variant type: single nucleotide variant.
Coding change: c.2248G>A on transcript NM_173598.6 (MANE Select); coding-DNA position 2248, G replaced by A.
Protein change: p.Val750Ile; replaces valine 750 with isoleucine.
Molecular consequence: missense variant.
Genome position (GRCh38, 1-based): chr12:117,485,663, C>T on the plus strand (G>A on the coding strand, the complement: KSR2 is on the minus strand). VCF-style: chr12-117485663-C-T. GRCh37 (hg19) VCF-style: chr12-117923468-C-T.
Other names: short protein forms V750I.
Identifiers: ClinVar variation 1953966 (VCV001953966.7), dbSNP rs368852302, ClinGen allele CA6815774.

ClinVar aggregate classification (germline): Uncertain significance. Review status: criteria provided, multiple submitters, no conflicts (2 of 4 stars). 3 submissions from 3 submitters: Uncertain significance (2). 1 of the submissions does not count toward it. Last evaluated 2022-11-09.

Conditions:
KSR2-related disorder. Also called: KSR2-related condition.

Allele frequency attached by ClinVar (database versions not stated): gnomAD 0.00001.
gnomAD v4.1: 29 of 1,613,326 alleles (0.0018%); highest among the groups gnomAD compares: African/African-American, 0.0053%; no homozygotes.

Submissions (3):

Ambry Genetics
Classification: Uncertain significance. Last evaluated: 2022-11-09. Review status: criteria provided, single submitter. Criteria: Ambry Variant Classification Scheme 2023. Collection method: clinical testing. Allele origin: germline.

Labcorp Genetics (formerly Invitae), Labcorp
Classification: Uncertain significance. Last evaluated: 2022-10-25. Review status: criteria provided, single submitter. Criteria: Invitae Variant Classification Sherloc (09022015). Collection method: clinical testing. Allele origin: germline.
Comment: This sequence change replaces valine, which is neutral and non-polar, with isoleucine, which is neutral and non-polar, at codon 721 of the KSR2 protein (p.Val721Ile). This variant is present in population databases (rs368852302, gnomAD 0.01%). This variant has not been reported in the literature in individuals affected with KSR2-related conditions. Algorithms developed to predict the effect of missense changes on protein structure and function are either unavailable or do not agree on the potential impact of this missense change (SIFT: "Tolerated"; PolyPhen-2: "Possibly Damaging"; Align-GVGD: "Class C0"). In summary, the available evidence is currently insufficient to determine the role of this variant in disease. Therefore, it has been classified as a Variant of Uncertain Significance.

PreventionGenetics, part of Exact Sciences
Classification: Uncertain significance for KSR2-related condition. Last evaluated: 2024-08-07. Review status: no assertion criteria provided. Collection method: clinical testing. Allele origin: germline. Not counted in ClinVar's aggregate classification.
Comment: The KSR2 c.2161G>A variant is predicted to result in the amino acid substitution p.Val721Ile. To our knowledge, this variant has not been reported in the literature. This variant is reported in 0.013% of alleles in individuals of African descent in gnomAD. At this time, the clinical significance of this variant is uncertain due to the absence of conclusive functional and genetic evidence.